The following is an entry in ClinVar:

ClinVar aggregate classification (germline): Uncertain significance (1 of 4 stars; one submission).

Conditions:
Emery-Dreifuss muscular dystrophy 5, autosomal dominant (EDMD5). Also called: EMERY-DREIFUSS MUSCULAR DYSTROPHY 5. Identifiers: Orphanet 261, MedGen C2751805, MONDO:0013072, OMIM 612999.

Allele frequency attached by ClinVar (database versions not stated): gnomAD exomes 0.00001; ExAC 0.00002; ESP Exome Variant Server 0.00008.
gnomAD v4.1: 20 of 1,613,708 alleles (0.0012%); highest among the groups gnomAD compares: African/African-American, 0.0027%; no homozygotes.

Submission:

Labcorp Genetics (formerly Invitae), Labcorp
Classification: Uncertain significance for Emery-Dreifuss muscular dystrophy 5, autosomal dominant. Last evaluated: 2023-11-27. Review status: criteria provided, single submitter. Criteria: Invitae Variant Classification Sherloc (09022015). Collection method: clinical testing. Allele origin: germline.
Comment: This sequence change replaces threonine, which is neutral and polar, with methionine, which is neutral and non-polar, at codon 1047 of the SYNE2 protein (p.Thr1047Met). This variant is present in population databases (rs369667178, gnomAD 0.003%). This variant has not been reported in the literature in individuals affected with SYNE2-related conditions. ClinVar contains an entry for this variant (Variation ID: 2155488). Algorithms developed to predict the effect of missense changes on protein structure and function output the following: SIFT: "Not Available"; PolyPhen-2: "Benign"; Align-GVGD: "Not Available". The methionine amino acid residue is found in multiple mammalian species, which suggests that this missense change does not adversely affect protein function. In summary, the available evidence is currently insufficient to determine the role of this variant in disease. Therefore, it has been classified as a Variant of Uncertain Significance.

NM_182914.3(SYNE2):c.3140C>T (p.Thr1047Met)

Gene: SYNE2 (spectrin repeat containing nuclear envelope protein 2; plus strand). Cytogenetic location: 14q23.2.
Variant type: single nucleotide variant.
Coding change: c.3140C>T on transcript NM_182914.3 (MANE Select); coding-DNA position 3140, C replaced by T.
Protein change: p.Thr1047Met; replaces threonine 1047 with methionine.
Molecular consequence: missense variant.
Genome position (GRCh38, 1-based): chr14:63,997,146, C>T. VCF-style: chr14-63997146-C-T. GRCh37 (hg19) VCF-style: chr14-64463864-C-T.
Other names: c.3140C>T, p.Thr1047Met (NM_015180.6); short protein forms T1047M.
Identifiers: ClinVar variation 2155488 (VCV002155488.4), dbSNP rs369667178, ClinGen allele CA7219870.